The following is an entry in ClinVar:

NM_030962.4(SBF2):c.2611-84G>A

Genes: SBF2 (SET binding factor 2; minus strand), LOC101928008 (uncharacterized LOC101928008; plus strand). Cytogenetic location: 11p15.4.
Variant type: single nucleotide variant.
Coding change: c.2611-84G>A on transcript NM_030962.4 (MANE Select); 84 bases into the intron before coding-DNA position 2611, G replaced by A.
Molecular consequence: intron variant.
Genome position (GRCh38, 1-based): chr11:9,850,302, C>T on the plus strand (G>A on the coding strand, the complement: SBF2 is on the minus strand). VCF-style: chr11-9850302-C-T. GRCh37 (hg19) VCF-style: chr11-9871849-C-T.
Other names: c.2482-84G>A (NM_001386342.1); c.2611-84G>A (NM_001386339.1).
Identifiers: ClinVar variation 672627 (VCV000672627.2), dbSNP rs4424662, ClinGen allele CA15699887.

ClinVar aggregate classification (germline): Benign. Review status: criteria provided, multiple submitters, no conflicts (2 of 4 stars). 2 submissions from 2 submitters: Benign (2). Last evaluated 2018-06-19.

Allele frequency attached by ClinVar (database versions not stated): gnomAD exomes 0.22216; gnomAD 0.27640 and 0.27988; 1000 Genomes Project 0.28634; TOPMed 0.29079; 1000 Genomes Project 30x 0.29232.
gnomAD v4.1: 293,039 of 1,279,118 alleles (23%); highest among the groups gnomAD compares: African/African-American, 40%; 36,245 homozygotes.

Submissions (2):

GeneDx
Classification: Benign. Last evaluated: 2018-06-19. Review status: criteria provided, single submitter. Criteria: GeneDx Variant Classification (06012015). Collection method: clinical testing. Allele origin: germline. Affected: yes.
Comment: This variant is considered likely benign or benign based on one or more of the following criteria: it is a conservative change, it occurs at a poorly conserved position in the protein, it is predicted to be benign by multiple in silico algorithms, and/or has population frequency not consistent with disease.

Breakthrough Genomics
Classification: Benign. Review status: criteria provided, single submitter. Criteria: ACMG Guidelines, 2015. Collection method: not provided. Allele origin: germline. Inheritance: Autosomal recessive inheritance. Affected: yes.